The following is an entry in ClinVar:

NM_032634.4(PIGO):c.1721C>G (p.Pro574Arg)

Gene: PIGO (phosphatidylinositol glycan anchor biosynthesis class O; minus strand). Cytogenetic location: 9p13.3.
Variant type: single nucleotide variant.
Coding change: c.1721C>G on transcript NM_032634.4 (MANE Select); coding-DNA position 1721, C replaced by G.
Protein change: p.Pro574Arg; replaces proline 574 with arginine.
Molecular consequence: missense variant. On other transcripts: intron variant (2).
Genome position (GRCh38, 1-based): chr9:35,092,166, G>C on the plus strand (C>G on the coding strand, the complement: PIGO is on the minus strand). VCF-style: chr9-35092166-G-C. GRCh37 (hg19) VCF-style: chr9-35092163-G-C.
Other names: c.1344+377C>G (NM_152850.4, NM_001201484.2); short protein forms P574R.
Identifiers: ClinVar variation 575930 (VCV000575930.9), dbSNP rs558371613, ClinGen allele CA5040578.

ClinVar aggregate classification (germline): Uncertain significance. Review status: criteria provided, multiple submitters, no conflicts (2 of 4 stars). 3 submissions from 3 submitters: Uncertain significance (3). Last evaluated 2025-08-01.

Conditions:
Inborn genetic diseases. Identifiers: MedGen C0950123, MeSH D030342.
Hyperphosphatasia with impaired intellectual development syndrome 2. Also called: Hyperphosphatasia with intellectual disability syndrome 2; GLYCOSYLPHOSPHATIDYLINOSITOL BIOSYNTHESIS DEFECT 6. Identifiers: Orphanet 247262, MedGen C3553637, MONDO:0013882, OMIM 614749.

Allele frequency attached by ClinVar (database versions not stated): gnomAD 0.00002 and 0.00003; TOPMed 0.00007; 1000 Genomes Project 0.00020; 1000 Genomes Project 30x 0.00031.
gnomAD v4.1: 115 of 1,614,212 alleles (0.0071%); highest among the groups gnomAD compares: African/African-American, 0.0093%; no homozygotes.

Submissions (3):

Ambry Genetics
Classification: Uncertain significance for Inborn genetic diseases. Last evaluated: 2025-08-01. Review status: criteria provided, single submitter. Criteria: Ambry Variant Classification Scheme 2023. Collection method: clinical testing. Allele origin: germline.

GeneDx
Classification: Uncertain significance. Last evaluated: 2025-04-25. Review status: criteria provided, single submitter. Criteria: GeneDx Variant Classification Process June 2021. Collection method: clinical testing. Allele origin: germline. Affected: yes.
Comment: Has not been previously published as pathogenic or benign to our knowledge; In silico analysis indicates that this missense variant does not alter protein structure/function

Labcorp Genetics (formerly Invitae), Labcorp
Classification: Uncertain significance for Hyperphosphatasia with impaired intellectual development syndrome 2. Last evaluated: 2022-09-19. Review status: criteria provided, single submitter. Criteria: Invitae Variant Classification Sherloc (09022015). Collection method: clinical testing. Allele origin: germline.
Comment: This sequence change replaces proline, which is neutral and non-polar, with arginine, which is basic and polar, at codon 574 of the PIGO protein (p.Pro574Arg). This variant is present in population databases (rs558371613, gnomAD 0.02%). This variant has not been reported in the literature in individuals affected with PIGO-related conditions. ClinVar contains an entry for this variant (Variation ID: 575930). Algorithms developed to predict the effect of missense changes on protein structure and function output the following: SIFT: "Tolerated"; PolyPhen-2: "Benign"; Align-GVGD: "Class C0". The arginine amino acid residue is found in multiple mammalian species, which suggests that this missense change does not adversely affect protein function. In summary, the available evidence is currently insufficient to determine the role of this variant in disease. Therefore, it has been classified as a Variant of Uncertain Significance.